The following is an entry in ClinVar:

ClinVar aggregate classification (germline): Uncertain significance (1 of 4 stars; one submission).

Allele frequency attached by ClinVar (database versions not stated): gnomAD exomes below 0.00001; gnomAD 0.00001.
gnomAD v4.1: 2 of 522,144 alleles (0.00038%); highest among the groups gnomAD compares: African/African-American, 0.0023%; no homozygotes.

Submission:

Women's Health and Genetics/Laboratory Corporation of America, LabCorp
Classification: Uncertain significance. Last evaluated: 2024-03-29. Review status: criteria provided, single submitter. Criteria: LabCorp Variant Classification Summary - May 2015. Collection method: clinical testing. Allele origin: germline.
Comment: Variant summary: VMA21 c.-382C>T is located in the untranscribed region upstream of the VMA21 gene region. The variant was absent in 20650 control chromosomes (gnomAD). The available data on variant occurrences in the general population are insufficient to allow any conclusion about variant significance. To our knowledge, no occurrence of c.-382C>T in individuals affected with X-Linked Myopathy With Excessive Autophagy and no experimental evidence demonstrating its impact on protein function have been reported. No submitters have cited clinical-significance assessments for this variant to ClinVar. Based on the evidence outlined above, the variant was classified as uncertain significance.

NM_001017980.4(VMA21):c.-382C>T

Gene: VMA21 (vacuolar ATPase assembly factor VMA21; plus strand). Cytogenetic location: Xq28.
Variant type: single nucleotide variant.
Coding change: c.-382C>T on transcript NM_001017980.4 (MANE Select); 382 bases upstream of the start codon, C replaced by T.
Molecular consequence: genic upstream transcript variant. On other transcripts: missense variant (1).
Genome position (GRCh38, 1-based): chrX:151,396,927, C>T. VCF-style: chrX-151396927-C-T. GRCh37 (hg19) VCF-style: chrX-150565399-C-T.
Other names: c.88C>T, p.Arg30Cys (NM_001363810.1); short protein forms R30C.
Identifiers: ClinVar variation 3233543 (VCV003233543.2), dbSNP rs1488676429, ClinGen allele CA415270457.